The following is an entry in ClinVar:

NM_001079802.2(FKTN):c.369+1G>C

Gene: FKTN (fukutin; plus strand). Cytogenetic location: 9q31.2.
Variant type: single nucleotide variant.
Coding change: c.369+1G>C on transcript NM_001079802.2 (MANE Select); the canonical splice donor site of the intron after coding-DNA position 369, G replaced by C.
Molecular consequence: splice donor variant.
Genome position (GRCh38, 1-based): chr9:105,601,349, G>C. VCF-style: chr9-105601349-G-C. GRCh37 (hg19) VCF-style: chr9-108363630-G-C.
Other names: c.369+1G>C (NM_006731.2, NM_001351496.2, NM_001198963.2 and 2 more transcripts); c.-146+1G>C (NM_001351502.2, NM_001351499.2, NM_001351500.2 and 1 more transcripts); c.300+1G>C (NM_001351497.2).
Identifiers: ClinVar variation 596647 (VCV000596647.14), dbSNP rs764125009, ClinGen allele CA5170377.

ClinVar aggregate classification (germline): Pathogenic/Likely pathogenic. Review status: criteria provided, multiple submitters, no conflicts (2 of 4 stars). 4 submissions from 4 submitters: Pathogenic (1); Likely pathogenic (3). Last evaluated 2025-12-16.

Conditions:
Muscular dystrophy-dystroglycanopathy (congenital with brain and eye anomalies), type A, 4 (MDDGA4). Also called: Walker-Warburg Syndrome, Fktn-Related; Muscular dystrophy, congenital progressive, with mental retardation; Muscular dystrophy, congenital, with central nervous system involvement; Cerebromuscular dystrophy, Fukuyama type; Congenital muscular dystrophy-dystroglycanopathy with brain and eye anomalies, type A4; WALKER-WARBURG SYNDROME OR MUSCLE-EYE-BRAIN DISEASE, FKTN-RELATED. Identifiers: Orphanet 272, Orphanet 588, Orphanet 899, MedGen C0410174, MONDO:0009678, OMIM 253800.
Muscular dystrophy-dystroglycanopathy (congenital without impaired intellectual development), type B, 4. Also called: Muscular dystrophy-dystroglycanopathy (congenital without intellectual disability), type B4; MUSCULAR DYSTROPHY, CONGENITAL, FKTN-RELATED. Identifiers: MedGen C2751052, MONDO:0013156, OMIM 613152.
Dilated cardiomyopathy 1X (CMD1X). Also called: FKTN-Related Dilated Cardiomyopathy; CARDIOMYOPATHY, DILATED, WITH MILD OR NO PROXIMAL MUSCLE WEAKNESS. Identifiers: Orphanet 154, MedGen C1969024, MONDO:0012704, OMIM 611615.
Autosomal recessive limb-girdle muscular dystrophy type 2M. Also called: MUSCULAR DYSTROPHY-DYSTROGLYCANOPATHY (LIMB-GIRDLE), TYPE C, 4; MUSCULAR DYSTROPHY, LIMB-GIRDLE, TYPE 2M. Identifiers: Orphanet 206554, MedGen C1969040, MONDO:0012699, OMIM 611588.
Walker-Warburg congenital muscular dystrophy. Also called: Muscular dystrophy-dystroglycanopathy, type A; Walker-Warburg syndrome. Identifiers: Orphanet 899, MedGen C0265221, MONDO:0000171.

Allele frequency attached by ClinVar (database versions not stated): gnomAD 0.00001; gnomAD exomes 0.00001; ExAC 0.00001; TOPMed 0.00001.
gnomAD v4.1: 3 of 1,583,624 alleles (0.00019%); highest among the groups gnomAD compares: Non-Finnish European, 0.00026%; no homozygotes.

Submissions (4):

Natera, Inc.
Classification: Likely pathogenic for Walker-Warburg congenital muscular dystrophy. Last evaluated: 2025-12-16. Review status: criteria provided, single submitter. Criteria: Natera Variant Classification Schema (03/2026). Collection method: clinical testing. Allele origin: germline.
Comment: The c.369+1G>C variant in FKTN is a canonical splice donor site variant predicted to affect pre-mRNA splicing, which may result in an abnormal transcript and altered protein product. This variant is expected to result in nonsense mediated decay, truncation, or a dysfunctional protein product. This variant is rare in the general population with a frequency below the threshold expected for the associated phenotype(s). Given the available evidence, this variant is classified as Likely Pathogenic.

Labcorp Genetics (formerly Invitae), Labcorp
Classification: Likely pathogenic for Walker-Warburg congenital muscular dystrophy. Last evaluated: 2025-12-10. Review status: criteria provided, single submitter. Criteria: Invitae Variant Classification Sherloc (09022015). Collection method: clinical testing. Allele origin: germline.
Comment: This sequence change affects a donor splice site in intron 5 of the FKTN gene. It is expected to disrupt RNA splicing. Variants that disrupt the donor or acceptor splice site typically lead to a loss of protein function (PMID: 16199547), and loss-of-function variants in FKTN are known to be pathogenic (PMID: 17044012, 17878207, 18752264). This variant is present in population databases (rs764125009, gnomAD 0.002%). This variant has not been reported in the literature in individuals affected with FKTN-related conditions. ClinVar contains an entry for this variant (Variation ID: 596647). Algorithms developed to predict the effect of sequence changes on RNA splicing suggest that this variant may disrupt the consensus splice site. In summary, the currently available evidence indicates that the variant is pathogenic, but additional data are needed to prove that conclusively. Therefore, this variant has been classified as Likely Pathogenic.

Fulgent Genetics
Classification: Likely pathogenic for Muscular dystrophy-dystroglycanopathy (congenital with brain and eye anomalies), type A, 4; Autosomal recessive limb-girdle muscular dystrophy type 2M; Dilated cardiomyopathy 1X; Muscular dystrophy-dystroglycanopathy (congenital without impaired intellectual development), type B, 4. Last evaluated: 2024-03-04. Review status: criteria provided, single submitter. Criteria: ACMG Guidelines, 2015. Collection method: clinical testing. Allele origin: germline.

Eurofins Ntd Llc (ga)
Classification: Pathogenic. Last evaluated: 2018-04-05. Review status: criteria provided, single submitter. Criteria: EGL ClinVar v180209 classification definitions. Collection method: clinical testing. Allele origin: germline. Observed: 1 variant allele, 1 heterozygote.

Literature cited by the submitters: PubMed 16199547 (cited by Labcorp Genetics (formerly Invitae), Labcorp); PubMed 17044012 (cited by Labcorp Genetics (formerly Invitae), Labcorp); PubMed 17878207 (cited by Labcorp Genetics (formerly Invitae), Labcorp); PubMed 18752264 (cited by Labcorp Genetics (formerly Invitae), Labcorp).